The following is an entry in ClinVar:

NM_001018113.3(FANCB):c.1243A>G (p.Lys415Glu)

Gene: FANCB (FA complementation group B; minus strand). Cytogenetic location: Xp22.2.
Variant type: single nucleotide variant.
Coding change: c.1243A>G on transcript NM_001018113.3 (MANE Select); coding-DNA position 1243, A replaced by G.
Protein change: p.Lys415Glu; replaces lysine 415 with glutamic acid.
Molecular consequence: missense variant.
Genome position (GRCh38, 1-based): chrX:14,853,122, T>C on the plus strand (A>G on the coding strand, the complement: FANCB is on the minus strand). VCF-style: chrX-14853122-T-C. GRCh37 (hg19) VCF-style: chrX-14871244-T-C.
Other names: c.1243A>G, p.Lys415Glu (NM_001324162.2, NM_001410764.1, NM_152633.4); short protein forms K415E.
Identifiers: ClinVar variation 2176110 (VCV002176110.4), dbSNP rs2518976639, ClinGen allele CA412442559.

ClinVar aggregate classification (germline): Uncertain significance (1 of 4 stars; one submission).

Conditions:
Fanconi anemia (FA). Also called: Fanconi's anemia. Identifiers: Orphanet 84, MedGen C0015625, MeSH D005199, MONDO:0019391.

Submission:

Labcorp Genetics (formerly Invitae), Labcorp
Classification: Uncertain significance for Fanconi anemia. Last evaluated: 2022-08-31. Review status: criteria provided, single submitter. Criteria: Invitae Variant Classification Sherloc (09022015). Collection method: clinical testing. Allele origin: germline.
Comment: In summary, the available evidence is currently insufficient to determine the role of this variant in disease. Therefore, it has been classified as a Variant of Uncertain Significance. Algorithms developed to predict the effect of missense changes on protein structure and function (SIFT, PolyPhen-2, Align-GVGD) all suggest that this variant is likely to be disruptive. This variant has not been reported in the literature in individuals affected with FANCB-related conditions. This variant is not present in population databases (gnomAD no frequency). This sequence change replaces lysine, which is basic and polar, with glutamic acid, which is acidic and polar, at codon 415 of the FANCB protein (p.Lys415Glu).